The following is an entry in ClinVar:

NM_006031.6(PCNT):c.8957C>T (p.Ala2986Val)

Gene: PCNT (pericentrin; plus strand). Cytogenetic location: 21q22.3.
Variant type: single nucleotide variant.
Coding change: c.8957C>T on transcript NM_006031.6 (MANE Select); coding-DNA position 8957, C replaced by T.
Protein change: p.Ala2986Val; replaces alanine 2986 with valine.
Molecular consequence: missense variant.
Genome position (GRCh38, 1-based): chr21:46,436,109, C>T. VCF-style: chr21-46436109-C-T. GRCh37 (hg19) VCF-style: chr21-47856022-C-T.
Other names: c.8366C>T, p.Ala2789Val (NM_001315529.2); c.8957C>T (NM_006031.5); short protein forms A2986V, A2789V.
Identifiers: ClinVar variation 1425077 (VCV001425077.6), dbSNP rs201069257, ClinGen allele CA10081136.
Genomic context (GRCh38, chr21:46,436,109, plus strand): 5'-ACCACCTCCGGGAACAGCAGCGAGAGCTGGAGGCGATGAGGCAGCGGCTGCTCTCTGCCG[C>T]CCGGCTTCTCACCAGCTTCACCAGCCAGGCCGTGGACAGGTGTGCACCCACGCCACCTGG-3'
Protein context (NP_006022.3, residues 2976-2996): EAMRQRLLSA[Ala2986Val]RLLTSFTSQA

ClinVar aggregate classification (germline): Uncertain significance. Review status: criteria provided, single submitter (1 of 4 stars). 2 submissions from 2 submitters: Uncertain significance (1). 1 of the submissions does not count toward it. Last evaluated 2022-07-25.

Conditions:
PCNT-related disorder. Also called: PCNT-related condition.

Allele frequency attached by ClinVar (database versions not stated): gnomAD 0.00001 and 0.00002; gnomAD exomes 0.00001; ExAC 0.00002; TOPMed 0.00007; 1000 Genomes Project 0.00020; 1000 Genomes Project 30x 0.00031.
gnomAD v4.1: 10 of 1,610,574 alleles (0.00062%); highest among the groups gnomAD compares: African/African-American, 0.013%; no homozygotes.

Submissions (2):

Labcorp Genetics (formerly Invitae), Labcorp
Classification: Uncertain significance. Last evaluated: 2022-07-25. Review status: criteria provided, single submitter. Criteria: Invitae Variant Classification Sherloc (09022015). Collection method: clinical testing. Allele origin: germline.
Comment: This sequence change replaces alanine, which is neutral and non-polar, with valine, which is neutral and non-polar, at codon 2986 of the PCNT protein (p.Ala2986Val). This variant is present in population databases (rs201069257, gnomAD 0.01%). This variant has not been reported in the literature in individuals affected with PCNT-related conditions. ClinVar contains an entry for this variant (Variation ID: 1425077). Algorithms developed to predict the effect of missense changes on protein structure and function output the following: SIFT: "Tolerated"; PolyPhen-2: "Benign"; Align-GVGD: "Class C0". The valine amino acid residue is found in multiple mammalian species, which suggests that this missense change does not adversely affect protein function. In summary, the available evidence is currently insufficient to determine the role of this variant in disease. Therefore, it has been classified as a Variant of Uncertain Significance.

PreventionGenetics, part of Exact Sciences
Classification: Uncertain significance for PCNT-related condition. Last evaluated: 2024-08-27. Review status: no assertion criteria provided. Collection method: clinical testing. Allele origin: germline. Not counted in ClinVar's aggregate classification.
Comment: The PCNT c.8957C>T variant is predicted to result in the amino acid substitution p.Ala2986Val. To our knowledge, this variant has not been reported in the literature. This variant is reported in 0.020% of alleles in individuals of African descent in gnomAD. At this time, the clinical significance of this variant is uncertain due to the absence of conclusive functional and genetic evidence.